The following is an entry in ClinVar:

ClinVar aggregate classification (germline): Uncertain significance (1 of 4 stars; one submission).

Conditions:
3-methylglutaconic aciduria type 1 (MGCA1). Identifiers: Orphanet 67046, MedGen C0342727, MONDO:0009610, OMIM 250950.

Submission:

Labcorp Genetics (formerly Invitae), Labcorp
Classification: Uncertain significance for 3-methylglutaconic aciduria type 1. Last evaluated: 2023-11-27. Review status: criteria provided, single submitter. Criteria: Invitae Variant Classification Sherloc (09022015). Collection method: clinical testing. Allele origin: germline.
Comment: This sequence change falls in intron 1 of the AUH gene. It does not directly change the encoded amino acid sequence of the AUH protein. This variant is not present in population databases (gnomAD no frequency). This variant has not been reported in the literature in individuals affected with AUH-related conditions. ClinVar contains an entry for this variant (Variation ID: 2131366). Algorithms developed to predict the effect of sequence changes on RNA splicing suggest that this variant may create or strengthen a splice site. In summary, the available evidence is currently insufficient to determine the role of this variant in disease. Therefore, it has been classified as a Variant of Uncertain Significance.

NM_001698.3(AUH):c.262+8G>A

Gene: AUH (AU RNA binding methylglutaconyl-CoA hydratase; minus strand). Cytogenetic location: 9q22.31.
Variant type: single nucleotide variant.
Coding change: c.262+8G>A on transcript NM_001698.3 (MANE Select); 8 bases into the intron after coding-DNA position 262, G replaced by A.
Molecular consequence: intron variant.
Genome position (GRCh38, 1-based): chr9:91,361,620, C>T on the plus strand (G>A on the coding strand, the complement: AUH is on the minus strand). VCF-style: chr9-91361620-C-T. GRCh37 (hg19) VCF-style: chr9-94123902-C-T.
Other names: c.262+8G>A (NM_001306190.2); c.-136+8G>A (NM_001351433.2, NM_001351431.2); c.-228+8G>A (NM_001351432.2).
Identifiers: ClinVar variation 2131366 (VCV002131366.4), dbSNP rs1018263180, ClinGen allele CA2579377956.
Genomic context (GRCh38, chr9:91,361,620, plus strand): 5'-ACCTTATGCCCGTCCTGAGAGCGAGCGGCCGCCCGCTGCCCCGCGCCTGCCCAGCGTTCG[C>T]ACCTCACCTCGGTTCTCCTCCTCCAGGTGCCGCACCCGCAGCTCGTCCTCCGTCTTCATC-3'